The following is an entry in ClinVar:

ClinVar aggregate classification (germline): Likely benign (1 of 4 stars; one submission).

Allele frequency attached by ClinVar (database versions not stated): 1000 Genomes Project 30x 0.00016; 1000 Genomes Project 0.00020; TOPMed 0.00039; gnomAD 0.00040; ExAC 0.00060.
gnomAD v4.1: 578 of 1,034,778 alleles (0.056%); highest among the groups gnomAD compares: Non-Finnish European, 0.077%; no homozygotes.

Submission:

CeGaT Center for Human Genetics Tuebingen
Classification: Likely benign. Last evaluated: 2024-03-01. Review status: criteria provided, single submitter. Criteria: CeGaT Center For Human Genetics Tuebingen Variant Classification Criteria Version 2. Collection method: clinical testing. Allele origin: germline. Affected: yes. Observed: 1 variant allele.
Comment: AKT2: BS1

NM_001626.6(AKT2):c.1366+106A>G

Gene: AKT2 (AKT serine/threonine kinase 2; minus strand). Cytogenetic location: 19q13.2.
Variant type: single nucleotide variant.
Coding change: c.1366+106A>G on transcript NM_001626.6 (MANE Select); 106 bases into the intron after coding-DNA position 1366, A replaced by G.
Molecular consequence: intron variant.
Genome position (GRCh38, 1-based): chr19:40,234,939, T>C on the plus strand (A>G on the coding strand, the complement: AKT2 is on the minus strand). VCF-style: chr19-40234939-T-C. GRCh37 (hg19) VCF-style: chr19-40740846-T-C.
Other names: c.1180+106A>G (NM_001243028.3, NM_001243027.3); c.1237+106A>G (NM_001330511.1).
Identifiers: ClinVar variation 3067186 (VCV003067186.21), dbSNP rs187555784, ClinGen allele CA9441443.